The following is an entry in ClinVar:

ClinVar aggregate classification (germline): Likely benign (1 of 4 stars; one submission).

Conditions:
GPC3-related disorder. Also called: GPC3-related condition.

Submission:

PreventionGenetics, part of Exact Sciences
Classification: Likely benign for GPC3-related condition. Last evaluated: 2024-12-12. Review status: criteria provided, single submitter. Criteria: ACMG Guidelines, 2015. Collection method: clinical testing. Allele origin: germline.
Comment: This variant is classified as likely benign based on ACMG/AMP sequence variant interpretation guidelines (Richards et al. 2015 PMID: 25741868, with internal and published modifications).

NM_004484.4(GPC3):c.1185G>A (p.Leu395=)

Gene: GPC3 (glypican 3; minus strand). Cytogenetic location: Xq26.2.
Variant type: single nucleotide variant.
Coding change: c.1185G>A on transcript NM_004484.4 (MANE Select); coding-DNA position 1185, G replaced by A.
Protein change: p.Leu395=; no amino-acid change (leucine 395 retained).
Molecular consequence: synonymous variant.
Genome position (GRCh38, 1-based): chrX:133,692,476, C>T on the plus strand (G>A on the coding strand, the complement: GPC3 is on the minus strand). VCF-style: chrX-133692476-C-T. GRCh37 (hg19) VCF-style: chrX-132826504-C-T.
Other names: c.1254G>A, p.Leu418= (NM_001164617.2); c.1137G>A, p.Leu379= (NM_001164618.2); c.1023G>A, p.Leu341= (NM_001164619.2).
Identifiers: ClinVar variation 4987322 (VCV004987322.1).